The following is an entry in ClinVar:

NM_015991.4(C1QA):c.376A>G (p.Met126Val)

Gene: C1QA (complement C1q A chain; plus strand). Cytogenetic location: 1p36.12.
Variant type: single nucleotide variant.
Coding change: c.376A>G on transcript NM_015991.4 (MANE Select); coding-DNA position 376, A replaced by G.
Protein change: p.Met126Val; replaces methionine 126 with valine.
Molecular consequence: missense variant.
Genome position (GRCh38, 1-based): chr1:22,639,045, A>G. VCF-style: chr1-22639045-A-G. GRCh37 (hg19) VCF-style: chr1-22965538-A-G.
Other names: c.376A>G, p.Met126Val (NM_001347465.2, NM_001347466.2); c.376A>G (NM_015991.3); short protein forms M126V.
Identifiers: ClinVar variation 735293 (VCV000735293.11), dbSNP rs143921949, ClinGen allele CA677773.

ClinVar aggregate classification (germline): Likely benign. Review status: criteria provided, multiple submitters, no conflicts (2 of 4 stars). 3 submissions from 3 submitters: Likely benign (3). Last evaluated 2026-01-24.

Conditions:
C1QA-related disorder. Also called: C1QA-related condition.

Allele frequency attached by ClinVar (database versions not stated): ESP Exome Variant Server 0.00031; gnomAD 0.00039 and 0.00049; TOPMed 0.00045; 1000 Genomes Project 30x 0.00094; 1000 Genomes Project 0.00120.

Submissions (3):

Labcorp Genetics (formerly Invitae), Labcorp
Classification: Likely benign. Last evaluated: 2026-01-24. Review status: criteria provided, single submitter. Criteria: Invitae Variant Classification Sherloc (09022015). Collection method: clinical testing. Allele origin: germline.

PreventionGenetics, part of Exact Sciences
Classification: Likely benign for C1QA-related condition. Last evaluated: 2024-12-03. Review status: criteria provided, single submitter. Criteria: ACMG Guidelines, 2015. Collection method: clinical testing. Allele origin: germline.
Comment: This variant is classified as likely benign based on ACMG/AMP sequence variant interpretation guidelines (Richards et al. 2015 PMID: 25741868, with internal and published modifications).

Blueprint Genetics
Classification: Likely benign. Last evaluated: 2024-11-15. Review status: criteria provided, single submitter. Criteria: ACMG Guidelines, 2015. Collection method: clinical testing. Allele origin: germline.